The following is an entry in ClinVar:

NM_006662.3(SRCAP):c.7219C>T (p.Gln2407Ter)

Gene: SRCAP (Snf2 related CREBBP activator protein; plus strand). Cytogenetic location: 16p11.2.
Variant type: single nucleotide variant.
Coding change: c.7219C>T on transcript NM_006662.3 (MANE Select); coding-DNA position 7219, C replaced by T.
Protein change: p.Gln2407Ter; replaces glutamine 2407 with a stop codon.
Molecular consequence: nonsense.
Genome position (GRCh38, 1-based): chr16:30,737,259, C>T. VCF-style: chr16-30737259-C-T. GRCh37 (hg19) VCF-style: chr16-30748580-C-T.
Other names: short protein forms Q2407*.
Identifiers: ClinVar variation 988731 (VCV000988731.5), dbSNP rs2506726269, ClinGen allele CA395632367.

ClinVar aggregate classification (germline): Pathogenic. Review status: criteria provided, multiple submitters, no conflicts (2 of 4 stars). 3 submissions from 3 submitters: Pathogenic (2). 1 of the submissions does not count toward it. Last evaluated 2024-11-19.

Conditions:
Inborn genetic diseases. Identifiers: MedGen C0950123, MeSH D030342.
Floating-Harbor syndrome (FLHS). Also called: Short stature with delayed bone age, expressive language delay, a triangular face with a prominent nose and deep-set eyes; Pelletier-Leisti syndrome; SRCAP-Related Floating-Harbor Syndrome. Identifiers: Orphanet 2044, MedGen C0729582, MONDO:0007621, OMIM 136140.

Submissions (3):

Ambry Genetics
Classification: Pathogenic for Inborn genetic diseases. Last evaluated: 2024-11-19. Review status: criteria provided, single submitter. Criteria: Ambry Variant Classification Scheme 2023. Collection method: clinical testing. Allele origin: germline.
Comment: The c.7219C>T (p.Q2407*) alteration, located in exon 34 (coding exon 32) of the SRCAP gene, consists of a C to T substitution at nucleotide position 7219. This changes the amino acid from a glutamine (Q) to a stop codon at amino acid position 2407. This alteration occurs at the 3' terminus of the SRCAP gene, is not expected to trigger nonsense-mediated mRNA decay, This variant was not reported in population-based cohorts in the Genome Aggregation Database (gnomAD). This variant has been detected in multiple individuals with Floating-Harbor syndrome, including a case of reported de novo occurrence (Nikkel, 2013; Huang, 2018; Aref-Eshghi, 2020; Levy, 2022; Yang, 2023). This variant is located in a region of the protein where truncating variants that escape nonsense mediated mRNA decay have been reported as disease-causing (Hood, 2012; Nikkel, 2013; Seifert, 2014; Nowaczyk, 2019). Based on the available evidence, this alteration is classified as pathogenic.

GeneDx
Classification: Pathogenic. Last evaluated: 2023-09-15. Review status: criteria provided, single submitter. Criteria: GeneDx Variant Classification Process June 2021. Collection method: clinical testing. Allele origin: germline. Affected: yes.
Comment: Nonsense variant predicted to result in protein truncation, as the last 824 amino acids are lost, and other loss-of-function variants have been reported downstream in HGMD; Not observed at significant frequency in large population cohorts (gnomAD); This variant is associated with the following publications: (PMID: 35904121, 27934915, 32615693, 35664296, 23621943, 30138938)

Service de Génétique Moléculaire, Hôpital Robert Debré
Classification: Pathogenic for Floating-Harbor syndrome. Last evaluated: 2020-09-22. Review status: no assertion criteria provided. Collection method: clinical testing. Allele origin: de novo. Affected: yes. Not counted in ClinVar's aggregate classification.

Literature cited by the submitters: PubMed 23193612 (cited by Ambry Genetics); PubMed 23621943 (cited by Ambry Genetics); PubMed 30138938 (cited by Ambry Genetics); PubMed 32109418 (cited by Ambry Genetics); PubMed 35904121 (cited by Ambry Genetics); PubMed 38116086 (cited by Ambry Genetics).